The following is an entry in ClinVar:

NM_001195263.2(PDZD7):c.592C>T (p.Pro198Ser)

Gene: PDZD7 (PDZ domain containing 7; minus strand). Cytogenetic location: 10q24.31.
Variant type: single nucleotide variant.
Coding change: c.592C>T on transcript NM_001195263.2 (MANE Select); coding-DNA position 592, C replaced by T.
Protein change: p.Pro198Ser; replaces proline 198 with serine.
Molecular consequence: missense variant.
Genome position (GRCh38, 1-based): chr10:101,022,336, G>A on the plus strand (C>T on the coding strand, the complement: PDZD7 is on the minus strand). VCF-style: chr10-101022336-G-A. GRCh37 (hg19) VCF-style: chr10-102782093-G-A.
Other names: c.592C>T, p.Pro198Ser (NM_001351044.2, NM_024895.5); short protein forms P198S.
Identifiers: ClinVar variation 1190925 (VCV001190925.5), dbSNP rs756550515, ClinGen allele CA5654324.

ClinVar aggregate classification (germline): Uncertain significance. Review status: criteria provided, multiple submitters, no conflicts (2 of 4 stars). 2 submissions from 2 submitters: Uncertain significance (2). Last evaluated 2026-09-08.

Allele frequency attached by ClinVar (database versions not stated): gnomAD 0.00001; ExAC 0.00002; TOPMed 0.00002; gnomAD exomes 0.00004.
gnomAD v4.1: 29 of 1,614,148 alleles (0.0018%); highest among the groups gnomAD compares: Middle Eastern, 0.28%; 2 homozygotes.

Submissions (2):

GeneDx
Classification: Uncertain significance. Last evaluated: 2026-09-08. Review status: criteria provided, single submitter. Criteria: GeneDx Variant Classification Process June 2021. Collection method: clinical testing. Allele origin: germline.
Comment: In silico analysis supports that this missense variant has a deleterious effect on protein structure/function; This variant is associated with the following publications: (PMID: 34515852)

Labcorp Genetics (formerly Invitae), Labcorp
Classification: Uncertain significance. Last evaluated: 2022-08-31. Review status: criteria provided, single submitter. Criteria: Invitae Variant Classification Sherloc (09022015). Collection method: clinical testing. Allele origin: germline.
Comment: This sequence change replaces proline, which is neutral and non-polar, with serine, which is neutral and polar, at codon 198 of the PDZD7 protein (p.Pro198Ser). This variant is present in population databases (rs756550515, gnomAD 0.004%). This variant has not been reported in the literature in individuals affected with PDZD7-related conditions. ClinVar contains an entry for this variant (Variation ID: 1190925). Algorithms developed to predict the effect of missense changes on protein structure and function are either unavailable or do not agree on the potential impact of this missense change (SIFT: "Deleterious"; PolyPhen-2: "Not Available"; Align-GVGD: "Class C65"). In summary, the available evidence is currently insufficient to determine the role of this variant in disease. Therefore, it has been classified as a Variant of Uncertain Significance.